The following is an entry in ClinVar:

ClinVar aggregate classification (germline): Uncertain significance (1 of 4 stars; one submission).

Allele frequency attached by ClinVar (database versions not stated): gnomAD exomes below 0.00001 and 0.00001.

Submission:

ARUP Laboratories, Molecular Genetics and Genomics, ARUP Laboratories
Classification: Uncertain significance. Last evaluated: 2021-08-15. Review status: criteria provided, single submitter. Criteria: ARUP Molecular Germline Variant Investigation Process 2021. Collection method: clinical testing. Allele origin: germline.
Comment: The p.Gln224Arg variant, to our knowledge, has not been reported in the medical literature or gene specific databases. Based on the available information, the clinical significance of this variant is uncertain.

NM_030929.5(KAZALD1):c.671A>G (p.Gln224Arg)

Gene: KAZALD1 (Kazal type serine peptidase inhibitor domain 1; plus strand). Cytogenetic location: 10q24.31.
Variant type: single nucleotide variant.
Coding change: c.671A>G on transcript NM_030929.5 (MANE Select); coding-DNA position 671, A replaced by G.
Protein change: p.Gln224Arg; replaces glutamine 224 with arginine.
Molecular consequence: missense variant. On other transcripts: non-coding transcript variant (1).
Genome position (GRCh38, 1-based): chr10:101,064,420, A>G. VCF-style: chr10-101064420-A-G. GRCh37 (hg19) VCF-style: chr10-102824177-A-G.
Other names: c.257A>G, p.Gln86Arg (NM_001319303.2); short protein forms Q224R, Q86R.
Identifiers: ClinVar variation 1330903 (VCV001330903.7), dbSNP rs1348017309, ClinGen allele CA378215809.